The following is an entry in ClinVar:

ClinVar aggregate classification (germline): Uncertain significance (1 of 4 stars; one submission).

Conditions:
Acrocallosal syndrome (ACLS). Also called: HALLUX DUPLICATION, POSTAXIAL POLYDACTYLY, AND ABSENCE OF CORPUS CALLOSUM; Schinzel syndrome 1; Absence of corpus callosum with unusual facial appearance, mental deficiency, duplication of the halluces and polydactyly. Identifiers: Orphanet 36, MedGen C0796147, MONDO:0008708, OMIM 200990.

Submission:

Labcorp Genetics (formerly Invitae), Labcorp
Classification: Uncertain significance for Acrocallosal syndrome. Last evaluated: 2023-06-03. Review status: criteria provided, single submitter. Criteria: Invitae Variant Classification Sherloc (09022015). Collection method: clinical testing. Allele origin: germline.
Comment: This variant has not been reported in the literature in individuals affected with KIF7-related conditions. The frequency data for this variant in the population databases is considered unreliable, as metrics indicate insufficient coverage at this position in the gnomAD database. This sequence change replaces threonine, which is neutral and polar, with proline, which is neutral and non-polar, at codon 396 of the KIF7 protein (p.Thr396Pro). Advanced modeling of protein sequence and biophysical properties (such as structural, functional, and spatial information, amino acid conservation, physicochemical variation, residue mobility, and thermodynamic stability) performed at Invitae indicates that this missense variant is not expected to disrupt KIF7 protein function. In summary, the available evidence is currently insufficient to determine the role of this variant in disease. Therefore, it has been classified as a Variant of Uncertain Significance.

NM_198525.3(KIF7):c.1186A>C (p.Thr396Pro)

Gene: KIF7 (kinesin family member 7; minus strand). Cytogenetic location: 15q26.1.
Variant type: single nucleotide variant.
Coding change: c.1186A>C on transcript NM_198525.3 (MANE Select); coding-DNA position 1186, A replaced by C.
Protein change: p.Thr396Pro; replaces threonine 396 with proline.
Molecular consequence: missense variant.
Genome position (GRCh38, 1-based): chr15:89,648,512, T>G on the plus strand (A>C on the coding strand, the complement: KIF7 is on the minus strand). VCF-style: chr15-89648512-T-G. GRCh37 (hg19) VCF-style: chr15-90191743-T-G.
Other names: short protein forms T396P.
Identifiers: ClinVar variation 2761958 (VCV002761958.3), dbSNP rs2142028728, ClinGen allele CA393772021.